The following is an entry in ClinVar:

NM_007215.4(POLG2):c.1202G>A (p.Gly401Glu)

Genes: MILR1 (mast cell immunoglobulin like receptor 1; plus strand), POLG2 (DNA polymerase gamma 2, accessory subunit; minus strand). Cytogenetic location: 17q23.3.
Variant type: single nucleotide variant.
Coding change: c.1202G>A on transcript NM_007215.4 (MANE Select); coding-DNA position 1202, G replaced by A.
Protein change: p.Gly401Glu; replaces glycine 401 with glutamic acid.
Molecular consequence: missense variant.
Genome position (GRCh38, 1-based): chr17:64,480,379, C>T on the plus strand (G>A on the coding strand, the complement: POLG2 is on the minus strand). VCF-style: chr17-64480379-C-T. GRCh37 (hg19) VCF-style: chr17-62476496-C-T.
Other names: short protein forms G401E.
Identifiers: ClinVar variation 2816121 (VCV002816121.3), dbSNP rs782644968, ClinGen allele CA8712801.

ClinVar aggregate classification (germline): Uncertain significance (1 of 4 stars; one submission).

Allele frequency attached by ClinVar (database versions not stated): gnomAD exomes below 0.00001; ExAC 0.00001.
gnomAD v4.1: 1 of 1,524,132 alleles (0.000066%); highest among the groups gnomAD compares: Non-Finnish European, 0.000091%; no homozygotes.

Submission:

Labcorp Genetics (formerly Invitae), Labcorp
Classification: Uncertain significance. Last evaluated: 2022-11-23. Review status: criteria provided, single submitter. Criteria: Invitae Variant Classification Sherloc (09022015). Collection method: clinical testing. Allele origin: germline.
Comment: In summary, the available evidence is currently insufficient to determine the role of this variant in disease. Therefore, it has been classified as a Variant of Uncertain Significance. Algorithms developed to predict the effect of missense changes on protein structure and function are either unavailable or do not agree on the potential impact of this missense change (SIFT: "Tolerated"; PolyPhen-2: "Probably Damaging"; Align-GVGD: "Class C0"). This variant has not been reported in the literature in individuals affected with POLG2-related conditions. This variant is present in population databases (rs782644968, gnomAD 0.0009%). This sequence change replaces glycine, which is neutral and non-polar, with glutamic acid, which is acidic and polar, at codon 401 of the POLG2 protein (p.Gly401Glu).